The following is an entry in ClinVar:

ClinVar aggregate classification (germline): Uncertain significance (1 of 4 stars; one submission).

Allele frequency attached by ClinVar (database versions not stated): gnomAD exomes below 0.00001.
gnomAD v4.1: 1 of 1,613,826 alleles (0.000062%); highest among the groups gnomAD compares: Non-Finnish European, 0.000085%; no homozygotes.

Submission:

Labcorp Genetics (formerly Invitae), Labcorp
Classification: Uncertain significance. Last evaluated: 2022-06-27. Review status: criteria provided, single submitter. Criteria: Invitae Variant Classification Sherloc (09022015). Collection method: clinical testing. Allele origin: germline.
Comment: This sequence change replaces alanine, which is neutral and non-polar, with proline, which is neutral and non-polar, at codon 810 of the ADAMTS10 protein (p.Ala810Pro). This variant is not present in population databases (gnomAD no frequency). This variant has not been reported in the literature in individuals affected with ADAMTS10-related conditions. Algorithms developed to predict the effect of missense changes on protein structure and function output the following: SIFT: "Deleterious"; PolyPhen-2: "Benign"; Align-GVGD: "Class C0". The proline amino acid residue is found in multiple mammalian species, which suggests that this missense change does not adversely affect protein function. In summary, the available evidence is currently insufficient to determine the role of this variant in disease. Therefore, it has been classified as a Variant of Uncertain Significance.

NM_030957.4(ADAMTS10):c.2428G>C (p.Ala810Pro)

Gene: ADAMTS10 (ADAM metallopeptidase with thrombospondin type 1 motif 10; minus strand). Cytogenetic location: 19p13.2.
Variant type: single nucleotide variant.
Coding change: c.2428G>C on transcript NM_030957.4 (MANE Select); coding-DNA position 2428, G replaced by C.
Protein change: p.Ala810Pro; replaces alanine 810 with proline.
Molecular consequence: missense variant.
Genome position (GRCh38, 1-based): chr19:8,586,446, C>G on the plus strand (G>C on the coding strand, the complement: ADAMTS10 is on the minus strand). VCF-style: chr19-8586446-C-G. GRCh37 (hg19) VCF-style: chr19-8651330-C-G.
Other names: c.889G>C, p.Ala297Pro (NM_001282352.2); short protein forms A297P, A810P.
Identifiers: ClinVar variation 2010037 (VCV002010037.1), dbSNP rs2512581082, ClinGen allele CA403749814.